The following is an entry in ClinVar:

NM_000138.5(FBN1):c.4115A>G (p.His1372Arg)

Gene: FBN1 (fibrillin 1; minus strand). Cytogenetic location: 15q21.1.
Variant type: single nucleotide variant.
Coding change: c.4115A>G on transcript NM_000138.5 (MANE Select); coding-DNA position 4115, A replaced by G.
Protein change: p.His1372Arg; replaces histidine 1372 with arginine.
Molecular consequence: missense variant.
Genome position (GRCh38, 1-based): chr15:48,474,350, T>C on the plus strand (A>G on the coding strand, the complement: FBN1 is on the minus strand). VCF-style: chr15-48474350-T-C. GRCh37 (hg19) VCF-style: chr15-48766547-T-C.
Other names: c.4115A>G, p.His1372Arg (NM_001406716.1); short protein forms H1372R.
Identifiers: ClinVar variation 3386805 (VCV003386805.2).

ClinVar aggregate classification (germline): Uncertain significance. Review status: criteria provided, multiple submitters, no conflicts (2 of 4 stars). 2 submissions from 2 submitters: Uncertain significance (2). Last evaluated 2025-03-18.

Conditions:
Marfan syndrome (MFS). Also called: MARFAN SYNDROME, TYPE I; Marfan syndrome type 1; Marfan's syndrome; FBN1-Related Marfan Syndrome; Marfan syndrome, classic. Identifiers: Orphanet 284963, Orphanet 558, MedGen C0024796, MONDO:0007947, OMIM 154700.
Familial thoracic aortic aneurysm and aortic dissection (TAAD). Also called: Thoracic aortic aneurysms and dissections. Identifiers: Orphanet 91387, MedGen C4707243, MONDO:0019625.

Submissions (2):

Labcorp Genetics (formerly Invitae), Labcorp
Classification: Uncertain significance for Marfan syndrome; Familial thoracic aortic aneurysm and aortic dissection. Last evaluated: 2025-03-18. Review status: criteria provided, single submitter. Criteria: Invitae Variant Classification Sherloc (09022015). Collection method: clinical testing. Allele origin: germline.
Comment: This sequence change replaces histidine, which is basic and polar, with arginine, which is basic and polar, at codon 1372 of the FBN1 protein (p.His1372Arg). This variant is not present in population databases (gnomAD no frequency). This variant has not been reported in the literature in individuals affected with FBN1-related conditions. ClinVar contains an entry for this variant (Variation ID: 3386805). Invitae Evidence Modeling of protein sequence and biophysical properties (such as structural, functional, and spatial information, amino acid conservation, physicochemical variation, residue mobility, and thermodynamic stability) indicates that this missense variant is expected to disrupt FBN1 protein function with a positive predictive value of 95%. In summary, the available evidence is currently insufficient to determine the role of this variant in disease. Therefore, it has been classified as a Variant of Uncertain Significance.

All of Us Research Program, National Institutes of Health
Classification: Uncertain significance for Marfan syndrome. Last evaluated: 2024-06-09. Review status: criteria provided, single submitter. Criteria: ACMG Guidelines, 2015. Collection method: clinical testing. Allele origin: germline. Inheritance: Autosomal dominant inheritance. Observed: 1 variant allele, 1 heterozygote.
Comment: This missense variant replaces histidine with arginine at codon 1372 of the FBN1 protein. Computational prediction suggests that this variant may have deleterious impact on protein structure and function (internally defined REVEL score threshold >= 0.7, PMID: 27666373). To our knowledge, functional studies have not been reported for this variant. This variant has not been reported in individuals affected with FBN1-related disorders in the literature. This variant has not been identified in the general population by the Genome Aggregation Database (gnomAD). The available evidence is insufficient to determine the role of this variant in disease conclusively. Therefore, this variant is classified as a Variant of Uncertain Significance.

This study involves interpretation of variants in research participants for the purpose of population health screening. Participant phenotype was not available at the time of variant classification. Additional details can be found in publication PMID: 35346344, PMCID: PMC8962531